The following is an entry in ClinVar:

NM_001127511.3(APC):c.99C>T (p.Cys33=)

Gene: APC (APC regulator of Wnt signaling pathway; plus strand). Cytogenetic location: 5q22.2.
Variant type: single nucleotide variant.
Coding change: c.99C>T on transcript NM_001127511.3; coding-DNA position 99, C replaced by T.
Protein change: p.Cys33=; no amino-acid change (cysteine 33 retained).
Molecular consequence: synonymous variant. On other transcripts: 5 prime UTR variant (8), non-coding transcript variant (1), intron variant (5).
Genome position (GRCh38, 1-based): chr5:112,707,816, C>T. VCF-style: chr5-112707816-C-T. GRCh37 (hg19) VCF-style: chr5-112043513-C-T.
Other names: c.-85C>T (NM_001354895.2, NM_001407447.1, NM_001407452.1 and 3 more transcripts); c.99C>T, p.Cys33= (NM_001354897.2, NM_001354902.2, NM_001407446.1); c.-1120C>T (NM_001407470.1, NM_001407472.1); c.-19+167C>T (NM_001407448.1, NM_001407450.1, NM_001407457.1 and 1 more transcripts); c.-43+167C>T (NM_001407453.1).
Identifiers: ClinVar variation 537602 (VCV000537602.47), dbSNP rs1312161630, ClinGen allele CA561890293.

ClinVar aggregate classification (germline): Uncertain significance (1 of 4 stars; one submission).

Conditions:
Familial adenomatous polyposis 1 (FAP1). Also called: FAMILIAL ADENOMATOUS POLYPOSIS 1, ATTENUATED; POLYPOSIS, ADENOMATOUS INTESTINAL. Identifiers: MedGen C2713442, MONDO:0021056, OMIM 175100. Disease mechanism: loss of function.

Allele frequency attached by ClinVar (database versions not stated): gnomAD exomes 0.00001 and 0.00002; gnomAD 0.00001; TOPMed 0.00001.
gnomAD v4.1: 8 of 1,370,500 alleles (0.00058%); highest among the groups gnomAD compares: African/African-American, 0.0014%; no homozygotes.

Submission:

Labcorp Genetics (formerly Invitae), Labcorp
Classification: Uncertain significance for Familial adenomatous polyposis 1. Last evaluated: 2025-06-24. Review status: criteria provided, single submitter. Criteria: Invitae Variant Classification Sherloc (09022015). Collection method: clinical testing. Allele origin: germline.
Comment: This variant occurs in a non-coding region of the APC gene. It does not change the encoded amino acid sequence of the APC protein. This variant is present in population databases (no rsID available, gnomAD 0.004%). This variant has not been reported in the literature in individuals affected with APC-related conditions. ClinVar contains an entry for this variant (Variation ID: 537602). Experimental studies and prediction algorithms are not available or were not evaluated, and the functional significance of this variant is currently unknown. In summary, the available evidence is currently insufficient to determine the role of this variant in disease. Therefore, it has been classified as a Variant of Uncertain Significance.